The following is an entry in ClinVar:

NM_001267550.2(TTN):c.61696G>A (p.Val20566Ile)

Genes: TTN (titin; minus strand), TTN-AS1 (TTN antisense RNA 1; plus strand). Cytogenetic location: 2q31.2.
Variant type: single nucleotide variant.
Coding change: c.61696G>A on transcript NM_001267550.2 (MANE Select); coding-DNA position 61696, G replaced by A.
Protein change: p.Val20566Ile; replaces valine 20566 with isoleucine.
Molecular consequence: missense variant.
Genome position (GRCh38, 1-based): chr2:178,590,029, C>T on the plus strand (G>A on the coding strand, the complement: TTN is on the minus strand). VCF-style: chr2-178590029-C-T. GRCh37 (hg19) VCF-style: chr2-179454756-C-T.
Other names: c.56773G>A, p.Val18925Ile (NM_001256850.1); c.34501G>A, p.Val11501Ile (NM_003319.4); c.53992G>A, p.Val17998Ile (NM_133378.4); c.34876G>A, p.Val11626Ile (NM_133432.3); c.35077G>A, p.Val11693Ile (NM_133437.4); short protein forms V17998I, V18925I, V20566I, V11501I, V11693I, V11626I.
Identifiers: ClinVar variation 283714 (VCV000283714.19), dbSNP rs764777213, ClinGen allele CA1992331.

ClinVar aggregate classification (germline): Conflicting classifications of pathogenicity. Review status: criteria provided, conflicting classifications (1 of 4 stars). 11 submissions from 7 submitters: Uncertain significance (8); Likely benign (3). Last evaluated 2026-05-26.

Conditions:
Dilated cardiomyopathy 1G (CMD1G). Identifiers: Orphanet 154, MedGen C1858763, MONDO:0011400, OMIM 604145.
Autosomal recessive limb-girdle muscular dystrophy type 2J (LGMDR10). Also called: Limb-girdle muscular dystrophy, type 2J; MUSCULAR DYSTROPHY, LIMB-GIRDLE, AUTOSOMAL RECESSIVE 10. Identifiers: Orphanet 140922, MedGen C1837342, MONDO:0012127, OMIM 608807.
Myopathy, myofibrillar, 9, with early respiratory failure (MFM9). Also called: Hereditary myopathy with early respiratory failure; EDSTROM MYOPATHY; MYOPATHY, PROXIMAL, WITH EARLY RESPIRATORY MUSCLE INVOLVEMENT; Myopathy, distal, with early respiratory failure, autosomal dominant. Identifiers: Orphanet 178464, Orphanet 34521, MedGen C1863599, MONDO:0011362, OMIM 603689.
Tibial muscular dystrophy (TMD). Also called: UDD MYOPATHY; Udd Distal Myopathy – Tibial Muscular Dystrophy; Tibial muscular dystrophy, tardive. Identifiers: Orphanet 609, MedGen C1838244, MONDO:0010870, OMIM 600334.
Early-onset myopathy with fatal cardiomyopathy (CMYO5). Also called: Salih Myopathy; CONGENITAL MYOPATHY 5 WITH CARDIOMYOPATHY. Identifiers: Orphanet 289377, MedGen C2673677, MONDO:0012714, OMIM 611705. Disease mechanism: loss of function.

Allele frequency attached by ClinVar (database versions not stated): gnomAD 0.00004 and 0.00006; ExAC 0.00006; gnomAD exomes 0.00007 and 0.00008; TOPMed 0.00011.
gnomAD v4.1: 112 of 1,613,020 alleles (0.0069%); highest among the groups gnomAD compares: Admixed American, 0.017%; no homozygotes.

Submissions (11):

Women's Health and Genetics/Laboratory Corporation of America, LabCorp
Classification: Uncertain significance. Last evaluated: 2026-05-26. Review status: criteria provided, single submitter. Criteria: LabCorp Variant Classification Summary - May 2015. Collection method: clinical testing. Allele origin: germline.
Comment: Variant summary: TTN NM_133378 c.53992G>A (p.Val17998Ile), also known as NM_001267550 c.61696G>A (p.Val20566Ile), results in a conservative amino acid change in the encoded protein sequence. Algorithms developed to predict the effect of missense changes on protein structure and function are either unavailable or do not agree on the potential impact of this missense change. The variant allele was found at a frequency of 7.7e-05 in 247880 control chromosomes. This frequency is not significantly higher than estimated for disease-causing variants in TTN, allowing no conclusion about variant significance. To our knowledge, no occurrence of c.53992G>A in individuals affected with TTN-related conditions and no experimental evidence demonstrating its impact on protein function have been reported. ClinVar contains an entry for this variant (Variation ID: 283714). Based on the evidence outlined above, the variant was classified as uncertain significance.

Revvity Omics, Revvity
Classification: Uncertain significance. Last evaluated: 2021-02-11. Review status: criteria provided, single submitter. Criteria: ACMG Guidelines, 2015. Collection method: clinical testing. Allele origin: germline.

Athena Diagnostics
Classification: Uncertain significance. Last evaluated: 2020-04-13. Review status: criteria provided, single submitter. Criteria: Athena Diagnostics Criteria. Collection method: clinical testing. Allele origin: unknown.

GeneDx
Classification: Likely benign. Last evaluated: 2019-12-05. Review status: criteria provided, single submitter. Criteria: GeneDx Variant Classification Process June 2021. Collection method: clinical testing. Allele origin: germline. Affected: yes.

Illumina Laboratory Services, Illumina
Classification: Uncertain significance for Dilated cardiomyopathy 1G. Last evaluated: 2018-01-12. Review status: criteria provided, single submitter. Criteria: ICSL Variant Classification Criteria 13 December 2019. Collection method: clinical testing. Allele origin: germline.

Illumina Laboratory Services, Illumina
Classification: Uncertain significance for Early-onset myopathy with fatal cardiomyopathy. Last evaluated: 2018-01-12. Review status: criteria provided, single submitter. Criteria: ICSL Variant Classification Criteria 13 December 2019. Collection method: clinical testing. Allele origin: germline.

Illumina Laboratory Services, Illumina
Classification: Likely benign for Tibial muscular dystrophy. Last evaluated: 2018-01-12. Review status: criteria provided, single submitter. Criteria: ICSL Variant Classification Criteria 13 December 2019. Collection method: clinical testing. Allele origin: germline.
Comment: This variant was observed in the ICSL laboratory as part of a predisposition screen in an ostensibly healthy population. It had not been previously curated by ICSL or reported in the Human Gene Mutation Database (HGMD: prior to June 1st, 2018), and was therefore a candidate for classification through an automated scoring system. Utilizing variant allele frequency, disease prevalence and penetrance estimates, and inheritance mode, an automated score was calculated to assess if this variant is too frequent to cause the disease. Based on the score and internal cut-off values, a variant classified as likely benign is not then subjected to further curation. The score for this variant resulted in a classification of likely benign for this disease.

Illumina Laboratory Services, Illumina
Classification: Likely benign for Myopathy, myofibrillar, 9, with early respiratory failure. Last evaluated: 2018-01-12. Review status: criteria provided, single submitter. Criteria: ICSL Variant Classification Criteria 13 December 2019. Collection method: clinical testing. Allele origin: germline.
Comment: the same text as in the submission from Illumina Laboratory Services, Illumina above.

Illumina Laboratory Services, Illumina
Classification: Uncertain significance for Autosomal recessive limb-girdle muscular dystrophy type 2J. Last evaluated: 2018-01-12. Review status: criteria provided, single submitter. Criteria: ICSL Variant Classification Criteria 13 December 2019. Collection method: clinical testing. Allele origin: germline.

Labcorp Genetics (formerly Invitae), Labcorp
Classification: Uncertain significance for Dilated cardiomyopathy 1G; Autosomal recessive limb-girdle muscular dystrophy type 2J. Last evaluated: 2017-12-13. Review status: criteria provided, single submitter. Criteria: Invitae Variant Classification Sherloc (09022015). Collection method: clinical testing. Allele origin: germline.

Eurofins Ntd Llc (ga)
Classification: Uncertain significance. Last evaluated: 2015-10-08. Review status: criteria provided, single submitter. Criteria: EGL Classification Definitions 2015. Collection method: clinical testing. Allele origin: germline. Observed: 2 variant alleles, 2 heterozygotes.